The following is an entry in ClinVar:

NM_002458.3(MUC5B):c.3280G>A (p.Ala1094Thr)

Gene: MUC5B (mucin 5B, oligomeric mucus/gel-forming; plus strand). Cytogenetic location: 11p15.5.
Variant type: single nucleotide variant.
Coding change: c.3280G>A on transcript NM_002458.3 (MANE Select); coding-DNA position 3280, G replaced by A.
Protein change: p.Ala1094Thr; replaces alanine 1094 with threonine.
Molecular consequence: missense variant.
Genome position (GRCh38, 1-based): chr11:1,237,147, G>A. VCF-style: chr11-1237147-G-A. GRCh37 (hg19) VCF-style: chr11-1258377-G-A.
Other names: short protein forms A1094T.
Identifiers: ClinVar variation 2672434 (VCV002672434.23), dbSNP rs199977970, ClinGen allele CA5805008.
Genomic context (GRCh38, chr11:1,237,147, plus strand): 5'-AACCCCTTCCGCAAGTCCTGGGCCCAGAAGCAGTGCAGCATCCTCCACGGCCCCACCTTC[G>A]CCGCCTGCCGCTCCCAGGTGGGGCTCTGGTCTTGGCAGGCAGGGTCTGGTGGGGATGGCA-3'
Protein context (NP_002449.2, residues 1084-1104): QCSILHGPTF[Ala1094Thr]ACRSQVDSTK

ClinVar aggregate classification (germline): Benign (1 of 4 stars; one submission).

Allele frequency attached by ClinVar (database versions not stated): 1000 Genomes Project 30x 0.00016; 1000 Genomes Project 0.00020; ESP Exome Variant Server 0.00049; TOPMed 0.00087; gnomAD 0.00103; ExAC 0.00156; gnomAD exomes 0.00156.

Submission:

CeGaT Center for Human Genetics Tuebingen
Classification: Benign. Last evaluated: 2023-11-01. Review status: criteria provided, single submitter. Criteria: CeGaT Center For Human Genetics Tuebingen Variant Classification Criteria Version 2. Collection method: clinical testing. Allele origin: germline. Affected: yes. Observed: 1 variant allele.
Comment: MUC5B: BS1, BS2